The following is an entry in ClinVar:

NM_005619.5(RTN2):c.646G>T (p.Ala216Ser)

Genes: OPA3-RTN2 (OPA3-RTN2 readthrough; minus strand), RTN2 (reticulon 2; minus strand). Cytogenetic location: 19q13.32.
Variant type: single nucleotide variant.
Coding change: c.646G>T on transcript NM_005619.5 (MANE Select); coding-DNA position 646, G replaced by T.
Protein change: p.Ala216Ser; replaces alanine 216 with serine.
Molecular consequence: missense variant.
Genome position (GRCh38, 1-based): chr19:45,494,334, C>A on the plus strand (G>T on the coding strand, the complement: RTN2 is on the minus strand). VCF-style: chr19-45494334-C-A. GRCh37 (hg19) VCF-style: chr19-45997592-C-A.
Other names: c.646G>T, p.Ala216Ser (NM_206900.3); short protein forms A216S.
Identifiers: ClinVar variation 2574477 (VCV002574477.2), dbSNP rs748249548, ClinGen allele CA406360727.

ClinVar aggregate classification (germline): Uncertain significance (1 of 4 stars; one submission).

Submission:

GeneDx
Classification: Uncertain significance. Last evaluated: 2025-04-23. Review status: criteria provided, single submitter. Criteria: GeneDx Variant Classification Process June 2021. Collection method: clinical testing. Allele origin: germline. Affected: yes.
Comment: Not observed at significant frequency in large population cohorts (gnomAD); In silico analysis indicates that this missense variant does not alter protein structure/function; Has not been previously published as pathogenic or benign to our knowledge